The following is an entry in ClinVar:

NM_001085458.2(CTNND1):c.957-2A>G

Genes: CTNND1 (catenin delta 1; plus strand), TMX2-CTNND1 (TMX2-CTNND1 readthrough (NMD candidate); plus strand). Cytogenetic location: 11q12.1.
Variant type: single nucleotide variant.
Coding change: c.957-2A>G on transcript NM_001085458.2 (MANE Select); the canonical splice acceptor site of the intron before coding-DNA position 957, A replaced by G.
Molecular consequence: splice acceptor variant.
Genome position (GRCh38, 1-based): chr11:57,801,731, A>G. VCF-style: chr11-57801731-A-G. GRCh37 (hg19) VCF-style: chr11-57569203-A-G.
Other names: c.957-2A>G (NM_001206885.2, NM_001085459.2, NM_001085461.2 and 3 more transcripts); c.795-2A>G (NM_001206891.2, NM_001206889.2, NM_001206883.2 and 4 more transcripts); c.654-2A>G (NM_001085467.2, NM_001206890.2, NM_001085463.2 and 5 more transcripts).
Identifiers: ClinVar variation 3498349 (VCV003498349.2).

ClinVar aggregate classification (germline): Uncertain significance (1 of 4 stars; one submission).

Conditions:
Inborn genetic diseases. Identifiers: MedGen C0950123, MeSH D030342.

Submission:

Ambry Genetics
Classification: Uncertain significance for Inborn genetic diseases. Last evaluated: 2025-05-29. Review status: criteria provided, single submitter. Criteria: Ambry Variant Classification Scheme 2023. Collection method: clinical testing. Allele origin: germline.
Comment: The c.957-2A>G intronic variant results from a A to G substitution two nucleotides before coding exon 5 of the CTNND1 gene. Alterations that disrupt the canonical splice site are expected to result in aberrant splicing. This variant was not reported in population-based cohorts in the Genome Aggregation Database (gnomAD). This nucleotide position is highly conserved in available vertebrate species. RNA studies have demonstrated that this alteration results in a splice defect; the clinical impact of this abnormal splicing is unknown at this time (Ambry internal data). In silico splice site analysis predicts that this alteration will weaken the native splice acceptor site and may result in the creation or strengthening of a novel splice acceptor site. Based on insufficient or conflicting evidence, the clinical significance of this alteration remains unclear.